The following is an entry in ClinVar:

ClinVar aggregate classification (germline): Pathogenic/Likely pathogenic. Review status: criteria provided, multiple submitters, no conflicts (2 of 4 stars). 5 submissions from 5 submitters: Pathogenic (2); Likely pathogenic (3). Last evaluated 2026-09-11.

Conditions:
Primary ciliary dyskinesia. Also called: Ciliary dyskinesia. Identifiers: Orphanet 244, MedGen C0008780, MONDO:0016575, HP:0012265.
DNAAF2-related disorder. Also called: DNAAF2-related condition.

Allele frequency attached by ClinVar (database versions not stated): TOPMed 0.00004.
gnomAD v4.1: 91 of 1,613,868 alleles (0.0056%); highest among the groups gnomAD compares: Non-Finnish European, 0.0075%; no homozygotes.

Submissions (5):

PreventionGenetics, part of Exact Sciences
Classification: Likely pathogenic for DNAAF2-related condition. Last evaluated: 2026-09-11. Review status: criteria provided, single submitter. Criteria: ACMG Guidelines, 2015. Collection method: clinical testing. Allele origin: germline.
Comment: The DNAAF2 c.1585C>T variant is predicted to result in premature protein termination (p.Gln529*). To our knowledge, this variant has not been reported in the literature in individuals with primary ciliary dyskinesia. This variant is reported in 0.0047% of alleles in individuals of European (Non-Finnish) descent in gnomAD. Nonsense variants in DNAAF2 are expected to be pathogenic. This variant is interpreted as likely pathogenic.

Labcorp Genetics (formerly Invitae), Labcorp
Classification: Pathogenic for Primary ciliary dyskinesia. Last evaluated: 2025-08-18. Review status: criteria provided, single submitter. Criteria: Invitae Variant Classification Sherloc (09022015). Collection method: clinical testing. Allele origin: germline.
Comment: This sequence change creates a premature translational stop signal (p.Gln529*) in the DNAAF2 gene. It is expected to result in an absent or disrupted protein product. Loss-of-function variants in DNAAF2 are known to be pathogenic (PMID: 19052621, 24498942). This variant is present in population databases (rs139416233, gnomAD 0.004%). This variant has not been reported in the literature in individuals affected with DNAAF2-related conditions. ClinVar contains an entry for this variant (Variation ID: 631710). For these reasons, this variant has been classified as Pathogenic.

Mayo Clinic Laboratories, Mayo Clinic
Classification: Likely pathogenic. Last evaluated: 2025-05-08. Review status: criteria provided, single submitter. Criteria: ACMG Guidelines, 2015. Collection method: clinical testing. Allele origin: germline. Observed: 1 variant allele.
Comment: PM2_supporting, PVS1

Blueprint Genetics
Classification: Likely pathogenic for DNAAF2-related disorders. Last evaluated: 2024-08-02. Review status: criteria provided, single submitter. Criteria: ACMG Guidelines, 2015. Collection method: clinical testing. Allele origin: germline. Affected: yes. Observed: 3 variant alleles.

Ambry Genetics
Classification: Pathogenic for Primary ciliary dyskinesia. Last evaluated: 2014-09-26. Review status: criteria provided, single submitter. Criteria: Ambry Variant Classification Scheme 2023. Collection method: clinical testing. Allele origin: germline.
Comment: The p.Q529* pathogenic mutation (also known as c.1585C>T) located in coding exon 1 of the DNAAF2 gene, results from a C to T substitution at nucleotide position 1585. This changes the amino acid from a glutamine to a stop codon within coding exon 1. Since premature stop codons are typically deleterious in nature, this alteration is interpreted as a disease-causing mutation (ACMG Recommendations for Standards for Interpretation and Reporting of Sequence Variations. Revision 2007. Genet Med. 2008;10:294).

Literature cited by the submitters: PubMed 19052621 (cited by Labcorp Genetics (formerly Invitae), Labcorp); PubMed 24498942 (cited by Labcorp Genetics (formerly Invitae), Labcorp); PubMed 31345219 (cited by Mayo Clinic Laboratories, Mayo Clinic).

NM_018139.3(DNAAF2):c.1585C>T (p.Gln529Ter)

Gene: DNAAF2 (dynein axonemal assembly factor 2; minus strand). Cytogenetic location: 14q21.3.
Variant type: single nucleotide variant.
Coding change: c.1585C>T on transcript NM_018139.3 (MANE Select); coding-DNA position 1585, C replaced by T.
Protein change: p.Gln529Ter; replaces glutamine 529 with a stop codon.
Molecular consequence: nonsense. On other transcripts: 5 prime UTR variant (1).
Genome position (GRCh38, 1-based): chr14:49,633,565, G>A on the plus strand (C>T on the coding strand, the complement: DNAAF2 is on the minus strand). VCF-style: chr14-49633565-G-A. GRCh37 (hg19) VCF-style: chr14-50100283-G-A.
Other names: p.Gln529*; c.1585C>T, p.Gln529Ter (NM_001083908.2); c.-287C>T (NM_001378453.1); short protein forms Q529*.
Identifiers: ClinVar variation 631710 (VCV000631710.19), dbSNP rs139416233, ClinGen allele CA7172880.